The following is an entry in ClinVar:

NM_020778.5(ALPK3):c.4230G>C (p.Glu1410Asp)

Gene: ALPK3 (alpha kinase 3; plus strand). Cytogenetic location: 15q25.3.
Variant type: single nucleotide variant.
Coding change: c.4230G>C on transcript NM_020778.5 (MANE Select); coding-DNA position 4230, G replaced by C.
Protein change: p.Glu1410Asp; replaces glutamic acid 1410 with aspartic acid.
Molecular consequence: missense variant.
Genome position (GRCh38, 1-based): chr15:84,862,735, G>C. VCF-style: chr15-84862735-G-C. GRCh37 (hg19) VCF-style: chr15-85405966-G-C.
Other names: short protein forms E1410D.
Identifiers: ClinVar variation 4044975 (VCV004044975.1).

ClinVar aggregate classification (germline): Uncertain significance (1 of 4 stars; one submission).

Conditions:
Cardiovascular phenotype. Identifiers: MedGen CN230736.

Submission:

Ambry Genetics
Classification: Uncertain significance for Cardiovascular phenotype. Last evaluated: 2025-06-09. Review status: criteria provided, single submitter. Criteria: Ambry Variant Classification Scheme 2023. Collection method: clinical testing. Allele origin: germline.
Comment: The p.E1612D variant (also known as c.4836G>C), located in coding exon 10 of the ALPK3 gene, results from a G to C substitution at nucleotide position 4836. The glutamic acid at codon 1612 is replaced by aspartic acid, an amino acid with highly similar properties. This amino acid position is conserved. In addition, this alteration is predicted to be tolerated by in silico analysis. Based on the available evidence, the clinical significance of this variant remains unclear.